The following is an entry in ClinVar:

NM_001128159.3(VPS53):c.2401dup (p.Ala801fs)

Gene: VPS53 (VPS53 subunit of GARP complex; minus strand). Cytogenetic location: 17p13.3.
Variant type: Duplication.
Coding change: c.2401dup on transcript NM_001128159.3 (MANE Select); coding-DNA position 2401, one base duplicated (G; older notation c.2401dupG).
Protein change: p.Ala801fs; shifts the reading frame from alanine 801.
Molecular consequence: frameshift variant.
Genome position (GRCh38, 1-based): chr17:519,226, C duplicated on the plus strand (G on the coding strand, the reverse complement: VPS53 is on the minus strand); the first of 5 consecutive C bases (chr17:519,226-519,230); duplicating any one gives the same sequence. VCF-style (leftmost placement, unchanged base first): chr17-519225-G-GC. GRCh37 (hg19) VCF-style: chr17-422465-G-GC.
Other names: short protein forms A801fs.
Identifiers: ClinVar variation 5004502 (VCV005004502.1).

ClinVar aggregate classification (germline): Uncertain significance (1 of 4 stars; one submission).

Conditions:
Pontocerebellar hypoplasia type 2E. Identifiers: Orphanet 247198, MedGen C4014488, MONDO:0014370, OMIM 615851.

Submission:

Myriad Genetics, Inc.
Classification: Uncertain significance for Pontocerebellar hypoplasia type 2E. Last evaluated: 2026-02-27. Review status: criteria provided, single submitter. Criteria: Myriad Autosomal Dominant, Autosomal Recessive and X-Linked Classification Criteria (2023). Collection method: clinical testing. Allele origin: unknown.
Comment: NM_001128159.2(VPS53):c.2401dupG(A801Gfs*29) is a frameshift variant classified as a variant of uncertain significance in the context of pontocerebellar hypoplasia, VPS53-related. A801Gfs*29 has not been observed in cases with relevant disease. Relevant functional assessments of this variant are not available in the literature. A801Gfs*29 has not been observed in referenced population frequency databases. In summary, there is insufficient evidence to classify NM_001128159.2(VPS53):c.2401dupG(A801Gfs*29) as pathogenic or benign. Please note: this variant was assessed in the context of healthy population screening.